The following is an entry in ClinVar:

ClinVar aggregate classification (germline): Benign. Review status: criteria provided, multiple submitters, no conflicts (2 of 4 stars). 7 submissions from 3 submitters: Benign (7). Last evaluated 2021-07-22.

Conditions:
Osteogenesis imperfecta type I (OI1). Also called: Lobstein disease; Lobstein's Disease; Osteogenesis imperfecta type 1; Classic Non-deforming Osteogenesis Imperfecta with Blue Sclerae; OI, TYPE I; OSTEOGENESIS IMPERFECTA TARDA. Identifiers: Orphanet 216796, Orphanet 666, MedGen C0023931, MONDO:0008146, OMIM 166200. Disease mechanism: loss of function.
Osteogenesis imperfecta type III (OI3). Also called: Osteogenesis imperfecta type 3; OI type 3; Osteogenesis imperfecta, progressively deforming with normal sclerae; OI type III; Progressively Deforming Osteogenesis Imperfecta. Identifiers: Orphanet 216812, Orphanet 666, MedGen C0268362, MONDO:0009804, OMIM 259420.
Osteogenesis imperfecta, perinatal lethal (OI2). Also called: OSTEOGENESIS IMPERFECTA, TYPE II; VROLIK TYPE OF OSTEOGENESIS IMPERFECTA; Osteogenesis imperfecta type 2; Osteogenesis imperfecta, dominant perinatal lethal; OI, TYPE II; OSTEOGENESIS IMPERFECTA CONGENITA. Identifiers: Orphanet 216804, MedGen C0268358, MONDO:0008147, OMIM 166210.
Osteogenesis imperfecta with normal sclerae, dominant form (OI4). Also called: OSTEOGENESIS IMPERFECTA, TYPE IV, WITH DENTINOGENESIS IMPERFECTA; Osteogenesis Imperfecta Type IV; Common Variable Osteogenesis Imperfecta with Normal Sclerae; Osteogenesis imperfecta type 4; OSTEOGENESIS IMPERFECTA WITH NORMAL SCLERAE. Identifiers: Orphanet 216820, Orphanet 666, MedGen C0268363, MONDO:0008148, OMIM 166220.
Ehlers-Danlos syndrome, arthrochalasia type. Also called: ARTHROCHALASIS MULTIPLEX CONGENITA; Ehlers-Danlos syndrome, arthrochalasis type; Ehlers-Danlos syndrome, arthrochalasia type, 1; EDS VII, MUTANT PROCOLLAGEN TYPE; EDS VIIA. Identifiers: Orphanet 1899, Orphanet 99875, Orphanet 99876, MedGen C4551623, MONDO:0007525, OMIM 130060.

Allele frequency attached by ClinVar (database versions not stated): gnomAD exomes 0.15846 and 0.17869; ExAC 0.18738; gnomAD 0.18865 and 0.19201; TOPMed 0.19067; ESP Exome Variant Server 0.19268; 1000 Genomes Project 30x 0.24344; 1000 Genomes Project 0.24820.
gnomAD v4.1: 261,387 of 1,613,676 alleles (16%); highest among the groups gnomAD compares: East Asian, 34%; 23,968 homozygotes.

Submissions (7):

Genome-Nilou Lab
Classification: Benign for Ehlers-Danlos syndrome, arthrochalasia type. Last evaluated: 2021-07-22. Review status: criteria provided, single submitter. Criteria: ACMG Guidelines, 2015. Collection method: clinical testing. Allele origin: germline. Affected: no.

Genome-Nilou Lab
Classification: Benign for Osteogenesis imperfecta type I. Last evaluated: 2021-07-22. Review status: criteria provided, single submitter. Criteria: ACMG Guidelines, 2015. Collection method: clinical testing. Allele origin: germline. Affected: no.

Genome-Nilou Lab
Classification: Benign for Osteogenesis imperfecta, perinatal lethal. Last evaluated: 2021-07-22. Review status: criteria provided, single submitter. Criteria: ACMG Guidelines, 2015. Collection method: clinical testing. Allele origin: germline. Affected: no.

Genome-Nilou Lab
Classification: Benign for Osteogenesis imperfecta type III. Last evaluated: 2021-07-22. Review status: criteria provided, single submitter. Criteria: ACMG Guidelines, 2015. Collection method: clinical testing. Allele origin: germline. Affected: no.

Genome-Nilou Lab
Classification: Benign for Osteogenesis imperfecta with normal sclerae, dominant form. Last evaluated: 2021-07-22. Review status: criteria provided, single submitter. Criteria: ACMG Guidelines, 2015. Collection method: clinical testing. Allele origin: germline. Affected: no.

GeneDx
Classification: Benign. Last evaluated: 2018-06-19. Review status: criteria provided, single submitter. Criteria: GeneDx Variant Classification (06012015). Collection method: clinical testing. Allele origin: germline. Affected: yes.
Comment: This variant is considered likely benign or benign based on one or more of the following criteria: it is a conservative change, it occurs at a poorly conserved position in the protein, it is predicted to be benign by multiple in silico algorithms, and/or has population frequency not consistent with disease.

Breakthrough Genomics
Classification: Benign. Review status: criteria provided, single submitter. Criteria: ACMG Guidelines, 2015. Collection method: not provided. Allele origin: germline. Inheritance: Autosomal dominant inheritance. Affected: yes.

NM_000088.4(COL1A1):c.3815-35T>C

Gene: COL1A1 (collagen type I alpha 1 chain; minus strand). Cytogenetic location: 17q21.33.
Variant type: single nucleotide variant.
Coding change: c.3815-35T>C on transcript NM_000088.4 (MANE Select); 35 bases into the intron before coding-DNA position 3815, T replaced by C.
Molecular consequence: intron variant.
Genome position (GRCh38, 1-based): chr17:50,186,542, A>G on the plus strand (T>C on the coding strand, the complement: COL1A1 is on the minus strand). VCF-style: chr17-50186542-A-G. GRCh37 (hg19) VCF-style: chr17-48263903-A-G.
Identifiers: ClinVar variation 674809 (VCV000674809.5), dbSNP rs2277632, ClinGen allele CA8644334.